The following is an entry in ClinVar:

ClinVar aggregate classification (germline): Uncertain significance (1 of 4 stars; one submission).

Allele frequency attached by ClinVar (database versions not stated): gnomAD exomes below 0.00001; gnomAD 0.00001.
gnomAD v4.1: 5 of 1,613,658 alleles (0.00031%); highest among the groups gnomAD compares: Non-Finnish European, 0.00042%; no homozygotes.

Submission:

Labcorp Genetics (formerly Invitae), Labcorp
Classification: Uncertain significance. Last evaluated: 2023-10-03. Review status: criteria provided, single submitter. Criteria: Invitae Variant Classification Sherloc (09022015). Collection method: clinical testing. Allele origin: germline.
Comment: This sequence change replaces glutamic acid, which is acidic and polar, with lysine, which is basic and polar, at codon 113 of the TOE1 protein (p.Glu113Lys). This variant is not present in population databases (gnomAD no frequency). This variant has not been reported in the literature in individuals affected with TOE1-related conditions. ClinVar contains an entry for this variant (Variation ID: 1976633). Advanced modeling of protein sequence and biophysical properties (such as structural, functional, and spatial information, amino acid conservation, physicochemical variation, residue mobility, and thermodynamic stability) performed at Invitae indicates that this missense variant is not expected to disrupt TOE1 protein function. In summary, the available evidence is currently insufficient to determine the role of this variant in disease. Therefore, it has been classified as a Variant of Uncertain Significance.

NM_025077.4(TOE1):c.337G>A (p.Glu113Lys)

Gene: TOE1 (target of EGR1, exonuclease; plus strand). Cytogenetic location: 1p34.1.
Variant type: single nucleotide variant.
Coding change: c.337G>A on transcript NM_025077.4 (MANE Select); coding-DNA position 337, G replaced by A.
Protein change: p.Glu113Lys; replaces glutamic acid 113 with lysine.
Molecular consequence: missense variant.
Genome position (GRCh38, 1-based): chr1:45,341,952, G>A. VCF-style: chr1-45341952-G-A. GRCh37 (hg19) VCF-style: chr1-45807624-G-A.
Other names: short protein forms E113K.
Identifiers: ClinVar variation 1976633 (VCV001976633.5), dbSNP rs1356416302, ClinGen allele CA340138968.
Genomic context (GRCh38, chr1:45,341,952, plus strand): 5'-CATCCTCCTAGCTTGGCTCTCTGAAATCTTGATATAGCAGACTTCTCTTTCTCCCAGGGT[G>A]AACATTCCTATCTGGCTCAAGTGTTCAATCTCACTCTGCTGTGCATGGAGGAGTATGTCA-3'
Protein context (NP_079353.3, residues 103-123): ACFKRQPDKG[Glu113Lys]HSYLAQVFNL